The following is an entry in ClinVar:

NM_001171613.2(PREPL):c.539T>G (p.Ile180Ser)

Gene: PREPL (prolyl endopeptidase like; minus strand). Cytogenetic location: 2p21.
Variant type: single nucleotide variant.
Coding change: c.539T>G on transcript NM_001171613.2 (MANE Select); coding-DNA position 539, T replaced by G.
Protein change: p.Ile180Ser; replaces isoleucine 180 with serine.
Molecular consequence: missense variant.
Genome position (GRCh38, 1-based): chr2:44,339,310, A>C on the plus strand (T>G on the coding strand, the complement: PREPL is on the minus strand). VCF-style: chr2-44339310-A-C. GRCh37 (hg19) VCF-style: chr2-44566449-A-C.
Other names: c.806T>G, p.Ile269Ser (NM_001042385.2, NM_001042386.2, NM_001171603.1 and 4 more transcripts); c.539T>G, p.Ile180Ser (NM_001171617.1, NM_001374277.1); short protein forms I180S, I269S.
Identifiers: ClinVar variation 2094183 (VCV002094183.4), dbSNP rs894274103, ClinGen allele CA46547548.

ClinVar aggregate classification (germline): Uncertain significance (1 of 4 stars; one submission).

Conditions:
Myasthenic syndrome, congenital, 22 (CMS22). Also called: PREPL DEFICIENCY. Identifiers: MedGen C4479088, MONDO:0044299, OMIM 616224.

Allele frequency attached by ClinVar (database versions not stated): gnomAD 0.00001.
gnomAD v4.1: 6 of 1,613,942 alleles (0.00037%); highest among the groups gnomAD compares: African/African-American, 0.0053%; no homozygotes.

Submission:

Labcorp Genetics (formerly Invitae), Labcorp
Classification: Uncertain significance for Myasthenic syndrome, congenital, 22. Last evaluated: 2022-07-12. Review status: criteria provided, single submitter. Criteria: Invitae Variant Classification Sherloc (09022015). Collection method: clinical testing. Allele origin: germline.
Comment: This sequence change replaces isoleucine, which is neutral and non-polar, with serine, which is neutral and polar, at codon 269 of the PREPL protein (p.Ile269Ser). This variant is present in population databases (no rsID available, gnomAD 0.007%). This variant has not been reported in the literature in individuals affected with PREPL-related conditions. Algorithms developed to predict the effect of missense changes on protein structure and function output the following: SIFT: "Tolerated"; PolyPhen-2: "Benign"; Align-GVGD: "Class C0". The serine amino acid residue is found in multiple mammalian species, which suggests that this missense change does not adversely affect protein function. Algorithms developed to predict the effect of sequence changes on RNA splicing suggest that this variant may create or strengthen a splice site. In summary, the available evidence is currently insufficient to determine the role of this variant in disease. Therefore, it has been classified as a Variant of Uncertain Significance.